The following is an entry in ClinVar:

ClinVar aggregate classification (germline): Conflicting classifications of pathogenicity. Review status: criteria provided, conflicting classifications (1 of 4 stars). 5 submissions from 5 submitters: Uncertain significance (3); Likely benign (1). 1 of the submissions does not count toward it. Last evaluated 2026-09-30.

Conditions:
Cenani-Lenz syndactyly syndrome. Also called: SYNDACTYLY, TYPE VII; CENANI SYNDACTYLISM. Identifiers: Orphanet 3258, MedGen C1859309, MONDO:0008931, OMIM 212780.
LRP4-related disorder. Also called: LRP4-related condition.
Sclerosteosis 2 (SOST2). Identifiers: Orphanet 3152, MedGen C3280402, MONDO:0013679, OMIM 614305.
Congenital myasthenic syndrome 17. Identifiers: Orphanet 590, MedGen C4225377, MONDO:0014578, OMIM 616304.

Allele frequency attached by ClinVar (database versions not stated): gnomAD exomes 0.00102; ExAC 0.00132; gnomAD 0.00095 and 0.00098; TOPMed 0.00064; ESP Exome Variant Server 0.00100.

Submissions (5):

GeneDx
Classification: Uncertain significance. Last evaluated: 2026-09-30. Review status: criteria provided, single submitter. Criteria: GeneDx Variant Classification Process June 2021. Collection method: clinical testing. Allele origin: germline.
Comment: In silico analysis suggests that this missense variant does not alter protein structure/function; Has not been previously published as pathogenic or benign to our knowledge; In silico analysis suggests this variant may impact gene splicing. In the absence of RNA/functional studies, the actual effect of this sequence change is unknown.

Labcorp Genetics (formerly Invitae), Labcorp
Classification: Likely benign for Cenani-Lenz syndactyly syndrome; Sclerosteosis 2; Congenital myasthenic syndrome 17. Last evaluated: 2025-12-11. Review status: criteria provided, single submitter. Criteria: Invitae Variant Classification Sherloc (09022015). Collection method: clinical testing. Allele origin: germline.

Illumina Laboratory Services, Illumina
Classification: Uncertain significance for Cenani-Lenz syndactyly syndrome. Last evaluated: 2018-01-13. Review status: criteria provided, single submitter. Criteria: ICSL Variant Classification Criteria 13 December 2019. Collection method: clinical testing. Allele origin: germline.

Eurofins Ntd Llc (ga)
Classification: Uncertain significance. Last evaluated: 2017-11-13. Review status: criteria provided, single submitter. Criteria: EGL Classification Definitions 2015. Collection method: clinical testing. Allele origin: germline. Observed: 1 variant allele, 1 heterozygote.

PreventionGenetics, part of Exact Sciences
Classification: Likely benign for LRP4-related condition. Last evaluated: 2022-02-11. Review status: no assertion criteria provided. Collection method: clinical testing. Allele origin: germline. Not counted in ClinVar's aggregate classification.
Comment: This variant is classified as likely benign based on ACMG/AMP sequence variant interpretation guidelines (Richards et al. 2015 PMID: 25741868, with internal and published modifications).

NM_002334.4(LRP4):c.3064A>G (p.Asn1022Asp)

Gene: LRP4 (LDL receptor related protein 4; minus strand). Cytogenetic location: 11p11.2.
Variant type: single nucleotide variant.
Coding change: c.3064A>G on transcript NM_002334.4 (MANE Select); coding-DNA position 3064, A replaced by G.
Protein change: p.Asn1022Asp; replaces asparagine 1022 with aspartic acid.
Molecular consequence: missense variant.
Genome position (GRCh38, 1-based): chr11:46,878,979, T>C on the plus strand (A>G on the coding strand, the complement: LRP4 is on the minus strand). VCF-style: chr11-46878979-T-C. GRCh37 (hg19) VCF-style: chr11-46900530-T-C.
Other names: short protein forms N1022D.
Identifiers: ClinVar variation 304873 (VCV000304873.23), dbSNP rs61742871, ClinGen allele CA5969707.